The following is an entry in ClinVar:

NM_025132.4(WDR19):c.65A>C (p.Gln22Pro)

Gene: WDR19 (WD repeat domain 19; plus strand). Cytogenetic location: 4p14.
Variant type: single nucleotide variant.
Coding change: c.65A>C on transcript NM_025132.4 (MANE Select); coding-DNA position 65, A replaced by C.
Protein change: p.Gln22Pro; replaces glutamine 22 with proline.
Molecular consequence: missense variant. On other transcripts: 5 prime UTR variant (1).
Genome position (GRCh38, 1-based): chr4:39,185,784, A>C. VCF-style: chr4-39185784-A-C. GRCh37 (hg19) VCF-style: chr4-39187404-A-C.
Other names: c.-300A>C (NM_001317924.2); short protein forms Q22P.
Identifiers: ClinVar variation 1435262 (VCV001435262.6), dbSNP rs2109740775, ClinGen allele CA356630438.

ClinVar aggregate classification (germline): Uncertain significance (1 of 4 stars; one submission).

Conditions:
Asphyxiating thoracic dystrophy 5 (SRTD5). Also called: SHORT-RIB THORACIC DYSPLASIA 5 WITH OR WITHOUT POLYDACTYLY; SHORT-RIB THORACIC DYSPLASIA 5 WITHOUT POLYDACTYLY. Identifiers: Orphanet 474, MedGen C3280598, MONDO:0013717, OMIM 614376.
Senior-Loken syndrome 8 (SLSN8). Identifiers: Orphanet 3156, MedGen C4225376, MONDO:0014579, OMIM 616307.

Submission:

Labcorp Genetics (formerly Invitae), Labcorp
Classification: Uncertain significance for Senior-Loken syndrome 8; Asphyxiating thoracic dystrophy 5. Last evaluated: 2021-11-03. Review status: criteria provided, single submitter. Criteria: Invitae Variant Classification Sherloc (09022015). Collection method: clinical testing. Allele origin: germline.
Comment: This variant has not been reported in the literature in individuals affected with WDR19-related conditions. This variant is not present in population databases (gnomAD no frequency). This sequence change replaces glutamine, which is neutral and polar, with proline, which is neutral and non-polar, at codon 22 of the WDR19 protein (p.Gln22Pro). Algorithms developed to predict the effect of missense changes on protein structure and function are either unavailable or do not agree on the potential impact of this missense change (SIFT: "Deleterious"; PolyPhen-2: "Probably Damaging"; Align-GVGD: "Class C0"). In summary, the available evidence is currently insufficient to determine the role of this variant in disease. Therefore, it has been classified as a Variant of Uncertain Significance.